The following is an entry in ClinVar:

NM_001370658.1(BTD):c.846C>G (p.His282Gln)

Gene: BTD (biotinidase; plus strand). Cytogenetic location: 3p25.1.
Variant type: single nucleotide variant.
Coding change: c.846C>G on transcript NM_001370658.1 (MANE Select); coding-DNA position 846, C replaced by G.
Protein change: p.His282Gln; replaces histidine 282 with glutamine.
Molecular consequence: missense variant. On other transcripts: intron variant (1).
Genome position (GRCh38, 1-based): chr3:15,644,762, C>G. VCF-style: chr3-15644762-C-G. GRCh37 (hg19) VCF-style: chr3-15686269-C-G.
Other names: c.846C>G, p.His282Gln (NM_001407375.1, NM_001407376.1, NM_001407365.1 and 18 more transcripts); c.399+2705C>G (NM_001370753.1); c.906C>G, p.His302Gln (NM_000060.4); short protein forms H282Q, H302Q.
Identifiers: ClinVar variation 1465307 (VCV001465307.6), dbSNP rs2125502649, ClinGen allele CA351607469.

ClinVar aggregate classification (germline): Uncertain significance (1 of 4 stars; one submission).

Conditions:
Biotinidase deficiency. Also called: Biotin deficiency; BTD deficiency; Late-onset biotin-responsive multiple carboxylase deficiency. Identifiers: Orphanet 79241, MedGen C0220754, MONDO:0009665, OMIM 253260.

Submission:

Labcorp Genetics (formerly Invitae), Labcorp
Classification: Uncertain significance for Biotinidase deficiency. Last evaluated: 2022-07-06. Review status: criteria provided, single submitter. Criteria: Invitae Variant Classification Sherloc (09022015). Collection method: clinical testing. Allele origin: germline.
Comment: This sequence change replaces histidine, which is basic and polar, with glutamine, which is neutral and polar, at codon 302 of the BTD protein (p.His302Gln). This variant is not present in population databases (gnomAD no frequency). This variant has not been reported in the literature in individuals affected with BTD-related conditions. ClinVar contains an entry for this variant (Variation ID: 1465307). Algorithms developed to predict the effect of missense changes on protein structure and function are either unavailable or do not agree on the potential impact of this missense change (SIFT: "Tolerated"; PolyPhen-2: "Probably Damaging"; Align-GVGD: "Class C0"). In summary, the available evidence is currently insufficient to determine the role of this variant in disease. Therefore, it has been classified as a Variant of Uncertain Significance.